The following is an entry in ClinVar:

ClinVar aggregate classification (germline): Likely benign (1 of 4 stars; one submission).

Allele frequency attached by ClinVar (database versions not stated): TOPMed below 0.00001; gnomAD 0.00001; gnomAD exomes 0.00001.
gnomAD v4.1: 10 of 1,612,612 alleles (0.00062%); highest among the groups gnomAD compares: Non-Finnish European, 0.00076%; no homozygotes.

Submission:

CeGaT Center for Human Genetics Tuebingen
Classification: Likely benign. Last evaluated: 2022-09-01. Review status: criteria provided, single submitter. Criteria: CeGaT Center For Human Genetics Tuebingen Variant Classification Criteria Version 2. Collection method: clinical testing. Allele origin: germline. Affected: yes. Observed: 1 variant allele.
Comment: PGAP6: BP4, BP7

NM_021259.3(PGAP6):c.1059C>T (p.Asn353=)

Gene: PGAP6 (post-GPI attachment to proteins 6; minus strand). Cytogenetic location: 16p13.3.
Variant type: single nucleotide variant.
Coding change: c.1059C>T on transcript NM_021259.3 (MANE Select); coding-DNA position 1059, C replaced by T.
Protein change: p.Asn353=; no amino-acid change (asparagine 353 retained).
Molecular consequence: synonymous variant.
Genome position (GRCh38, 1-based): chr16:376,301, G>A on the plus strand (C>T on the coding strand, the complement: PGAP6 is on the minus strand). VCF-style: chr16-376301-G-A. GRCh37 (hg19) VCF-style: chr16-426301-G-A.
Identifiers: ClinVar variation 2645789 (VCV002645789.24), dbSNP rs1417253291, ClinGen allele CA492997965.